The following is an entry in ClinVar:

ClinVar aggregate classification (germline): Uncertain significance (1 of 4 stars; one submission).

Submission:

Ambry Genetics
Classification: Uncertain significance. Last evaluated: 2025-09-28. Review status: criteria provided, single submitter. Criteria: Ambry Variant Classification Scheme 2023. Collection method: clinical testing. Allele origin: germline.
Comment: The p.L84V variant (also known as c.250C>G), located in coding exon 1 of the GALNT12 gene, results from a C to G substitution at nucleotide position 250. The leucine at codon 84 is replaced by valine, an amino acid with highly similar properties. This amino acid position is conserved. In addition, this alteration is predicted to be tolerated by in silico analysis. Based on the available evidence, the clinical significance of this variant remains unclear.

NM_024642.5(GALNT12):c.250C>G (p.Leu84Val)

Gene: GALNT12 (polypeptide N-acetylgalactosaminyltransferase 12; plus strand). Cytogenetic location: 9q22.33.
Variant type: single nucleotide variant.
Coding change: c.250C>G on transcript NM_024642.5 (MANE Select); coding-DNA position 250, C replaced by G.
Protein change: p.Leu84Val; replaces leucine 84 with valine.
Molecular consequence: missense variant.
Genome position (GRCh38, 1-based): chr9:98,807,948, C>G. VCF-style: chr9-98807948-C-G. GRCh37 (hg19) VCF-style: chr9-101570230-C-G.
Other names: short protein forms L84V.
Identifiers: ClinVar variation 4670617 (VCV004670617.1).